The following is an entry in ClinVar:

ClinVar aggregate classification (germline): Uncertain significance (1 of 4 stars; one submission).

Submission:

Women's Health and Genetics/Laboratory Corporation of America, LabCorp
Classification: Uncertain significance. Last evaluated: 2024-07-09. Review status: criteria provided, single submitter. Criteria: LabCorp Variant Classification Summary - May 2015. Collection method: clinical testing. Allele origin: germline.
Comment: Variant summary: GMPPB c.332T>G (p.Val111Gly) results in a non-conservative amino acid change located in the Nucleotidyl transferase domain (IPR005835) of the encoded protein sequence. Four of five in-silico tools predict a damaging effect of the variant on protein function. The variant allele was found at a frequency of 4e-06 in 251144 control chromosomes. c.332T>G has been reported in the literature in at least one compound heterozygous individual affected with congenital muscular dystrophy with cerebellar involvement (e.g. Liu_2021). This report does not provide unequivocal conclusions about association of the variant with GMPPB-Related Disorders. At least one publication reports experimental evidence evaluating an impact on protein function. The most pronounced variant effect results in ~40% of normal enzyme activity (e.g. Liu_2021). The following publication has been ascertained in the context of this evaluation (PMID: 35006422). No submitters have cited clinical-significance assessments for this variant to ClinVar. Based on the evidence outlined above, the variant was classified as VUS-possibly pathogenic.

Literature cited by the submitters: PubMed 35006422.

NM_021971.4(GMPPB):c.332T>G (p.Val111Gly)

Gene: GMPPB (GDP-mannose pyrophosphorylase B; minus strand). Cytogenetic location: 3p21.31.
Variant type: single nucleotide variant.
Coding change: c.332T>G on transcript NM_021971.4 (MANE Select); coding-DNA position 332, T replaced by G.
Protein change: p.Val111Gly; replaces valine 111 with glycine.
Molecular consequence: missense variant.
Genome position (GRCh38, 1-based): chr3:49,723,042, A>C on the plus strand (T>G on the coding strand, the complement: GMPPB is on the minus strand). VCF-style: chr3-49723042-A-C. GRCh37 (hg19) VCF-style: chr3-49760475-A-C.
Other names: c.332T>G, p.Val111Gly (NM_013334.4); short protein forms V111G.
Identifiers: ClinVar variation 3339036 (VCV003339036.1).
Genomic context (GRCh38, chr3:49,723,042, plus strand): 5'-CCCTCCTGGCCATGGTGCCGGTGGAACTGCACCATGGCTTGGAAGGGGAAATCGCAGATC[A>C]CGTCACTGTTGAGGACGAAGAAAGGGTCTGCAGTCTCAGAGAGTAGGTCACGGGCCAGCG-3'
Protein context (NP_068806.2, residues 101-121): ADPFFVLNSD[Val111Gly]ICDFPFQAMV